The following is an entry in ClinVar:

ClinVar aggregate classification (germline): Benign/Likely benign. Review status: criteria provided, multiple submitters, no conflicts (2 of 4 stars). 5 submissions from 4 submitters: Benign (2); Likely benign (3). Last evaluated 2026-02-02.

Conditions:
Schwartz-Jampel syndrome. Also called: Myotonic myopathy dwarfism chondrodystrophy and ocular and facial abnormalities. Identifiers: Orphanet 800, MedGen C0036391, MONDO:0009717.
Lethal Kniest-like syndrome (DDSH). Also called: Dyssegmental Dysplasia. Identifiers: Orphanet 1865, MedGen C1857100, MONDO:0009140, OMIM 224410.

Allele frequency attached by ClinVar (database versions not stated): gnomAD 0.00044 and 0.00068; TOPMed 0.00062; gnomAD exomes 0.00096; ExAC 0.00123; 1000 Genomes Project 0.00459; 1000 Genomes Project 30x 0.00531.
gnomAD v4.1: 494 of 1,581,976 alleles (0.031%); highest among the groups gnomAD compares: East Asian, 0.6%; 4 homozygotes.

Submissions (5):

Labcorp Genetics (formerly Invitae), Labcorp
Classification: Benign. Last evaluated: 2026-02-02. Review status: criteria provided, single submitter. Criteria: Invitae Variant Classification Sherloc (09022015). Collection method: clinical testing. Allele origin: germline.

Blueprint Genetics
Classification: Likely benign. Last evaluated: 2024-08-08. Review status: criteria provided, single submitter. Criteria: ACMG Guidelines, 2015. Collection method: clinical testing. Allele origin: germline.

ARUP Laboratories, Molecular Genetics and Genomics, ARUP Laboratories
Classification: Benign. Last evaluated: 2022-03-15. Review status: criteria provided, single submitter. Criteria: ARUP Molecular Germline Variant Investigation Process 2021. Collection method: clinical testing. Allele origin: germline.

Illumina Laboratory Services, Illumina
Classification: Likely benign for Schwartz-Jampel syndrome type 1. Last evaluated: 2018-01-12. Review status: criteria provided, single submitter. Criteria: ICSL Variant Classification Criteria 13 December 2019. Collection method: clinical testing. Allele origin: germline.
Comment: This variant was observed in the ICSL laboratory as part of a predisposition screen in an ostensibly healthy population. It had not been previously curated by ICSL or reported in the Human Gene Mutation Database (HGMD: prior to June 1st, 2018), and was therefore a candidate for classification through an automated scoring system. Utilizing variant allele frequency, disease prevalence and penetrance estimates, and inheritance mode, an automated score was calculated to assess if this variant is too frequent to cause the disease. Based on the score and internal cut-off values, a variant classified as likely benign is not then subjected to further curation. The score for this variant resulted in a classification of likely benign for this disease.

Illumina Laboratory Services, Illumina
Classification: Likely benign for Lethal Kniest-like syndrome. Last evaluated: 2018-01-12. Review status: criteria provided, single submitter. Criteria: ICSL Variant Classification Criteria 13 December 2019. Collection method: clinical testing. Allele origin: germline.
Comment: the same text as in the submission from Illumina Laboratory Services, Illumina above.

NM_005529.7(HSPG2):c.5702-13G>A

Gene: HSPG2 (heparan sulfate proteoglycan 2; minus strand). Cytogenetic location: 1p36.12.
Variant type: single nucleotide variant.
Coding change: c.5702-13G>A on transcript NM_005529.7 (MANE Select); 13 bases into the intron before coding-DNA position 5702, G replaced by A.
Molecular consequence: intron variant.
Genome position (GRCh38, 1-based): chr1:21,855,688, C>T on the plus strand (G>A on the coding strand, the complement: HSPG2 is on the minus strand). VCF-style: chr1-21855688-C-T. GRCh37 (hg19) VCF-style: chr1-22182181-C-T.
Other names: c.5705-13G>A (NM_001291860.2).
Identifiers: ClinVar variation 295828 (VCV000295828.14), dbSNP rs141464854, ClinGen allele CA671810.